The following is an entry in ClinVar:

ClinVar aggregate classification (germline): Uncertain significance (1 of 4 stars; one submission).

Submission:

CeGaT Center for Human Genetics Tuebingen
Classification: Uncertain significance. Last evaluated: 2025-05-01. Review status: criteria provided, single submitter. Criteria: CeGaT Center For Human Genetics Tuebingen Variant Classification Criteria Version 2. Collection method: clinical testing. Allele origin: germline. Affected: yes. Observed: 1 variant allele.
Comment: AFG3L2: PM2

NM_006796.3(AFG3L2):c.367G>A (p.Asp123Asn)

Gene: AFG3L2 (AFG3 like matrix AAA peptidase subunit 2; minus strand). Cytogenetic location: 18p11.21.
Variant type: single nucleotide variant.
Coding change: c.367G>A on transcript NM_006796.3 (MANE Select); coding-DNA position 367, G replaced by A.
Protein change: p.Asp123Asn; replaces aspartic acid 123 with asparagine.
Molecular consequence: missense variant.
Genome position (GRCh38, 1-based): chr18:12,367,308, C>T on the plus strand (G>A on the coding strand, the complement: AFG3L2 is on the minus strand). VCF-style: chr18-12367308-C-T. GRCh37 (hg19) VCF-style: chr18-12367307-C-T.
Other names: short protein forms D123N.
Identifiers: ClinVar variation 3905469 (VCV003905469.10).